The following is an entry in ClinVar:

NM_001386393.1(PANK2):c.-28C>T

Genes: PANK2 (pantothenate kinase 2; plus strand), LOC130065345 (ATAC-STARR-seq lymphoblastoid silent region 12635; plus strand). Cytogenetic location: 20p13.
Variant type: single nucleotide variant.
Coding change: c.-28C>T on transcript NM_001386393.1 (MANE Select); 28 bases upstream of the start codon, C replaced by T.
Molecular consequence: 5 prime UTR variant. On other transcripts: synonymous variant (2), non-coding transcript variant (1), intron variant (1).
Genome position (GRCh38, 1-based): chr20:3,889,403, C>T. VCF-style: chr20-3889403-C-T. GRCh37 (hg19) VCF-style: chr20-3870050-C-T.
Other names: c.-739C>T (NM_001324191.2); c.303C>T, p.Ala101= (NM_001324192.1, NM_153638.4); c.-246+499C>T (NM_024960.6); c.303C>T (NM_153638.3).
Identifiers: ClinVar variation 897916 (VCV000897916.11), dbSNP rs544239478, ClinGen allele CA9750537.

ClinVar aggregate classification (germline): Conflicting classifications of pathogenicity. Review status: criteria provided, conflicting classifications (1 of 4 stars). 4 submissions from 4 submitters: Uncertain significance (1); Likely benign (2). 1 of the submissions does not count toward it. Last evaluated 2025-12-23.

Conditions:
PANK2-related disorder. Also called: PANK2-related condition.
Pigmentary pallidal degeneration (NBIA1). Also called: Pantothenate Kinase-Associated Neurodegeneration; Neuroaxonal dystrophy, late infantile; Hallervorden-Spatz disease; Neurodegeneration with brain iron accumulation 1; HARP SYNDROME; PKAN NEUROAXONAL DYSTROPHY, JUVENILE-ONSET. Identifiers: Orphanet 157850, MedGen C0018523, MONDO:0009319, OMIM 234200.

Allele frequency attached by ClinVar (database versions not stated): 1000 Genomes Project 30x 0.00031; 1000 Genomes Project 0.00040.
gnomAD v4.1: 149 of 1,572,562 alleles (0.0095%); highest among the groups gnomAD compares: South Asian, 0.15%; 1 homozygote.

Submissions (4):

Labcorp Genetics (formerly Invitae), Labcorp
Classification: Likely benign for Pigmentary pallidal degeneration. Last evaluated: 2025-12-23. Review status: criteria provided, single submitter. Criteria: Invitae Variant Classification Sherloc (09022015). Collection method: clinical testing. Allele origin: germline.

Blueprint Genetics
Classification: Likely benign. Last evaluated: 2023-07-10. Review status: criteria provided, single submitter. Criteria: ACMG Guidelines, 2015. Collection method: clinical testing. Allele origin: germline.

Illumina Laboratory Services, Illumina
Classification: Uncertain significance for Pigmentary pallidal degeneration. Last evaluated: 2018-01-13. Review status: criteria provided, single submitter. Criteria: ICSL Variant Classification Criteria 13 December 2019. Collection method: clinical testing. Allele origin: germline.

PreventionGenetics, part of Exact Sciences
Classification: Likely benign for PANK2-related condition. Last evaluated: 2021-02-15. Review status: no assertion criteria provided. Collection method: clinical testing. Allele origin: germline. Not counted in ClinVar's aggregate classification.
Comment: This variant is classified as likely benign based on ACMG/AMP sequence variant interpretation guidelines (Richards et al. 2015 PMID: 25741868, with internal and published modifications).